The following is an entry in ClinVar:

ClinVar aggregate classification (germline): Conflicting classifications of pathogenicity. Review status: criteria provided, conflicting classifications (1 of 4 stars). 4 submissions from 4 submitters: Uncertain significance (1); Likely benign (2). 1 of the submissions does not count toward it. Last evaluated 2026-01-31.

Conditions:
LOXHD1-related disorder. Also called: LOXHD1-related condition.
Inborn genetic diseases. Identifiers: MedGen C0950123, MeSH D030342.

Allele frequency attached by ClinVar (database versions not stated): gnomAD exomes 0.00022 and 0.00042; ExAC 0.00111; ESP Exome Variant Server 0.00219; 1000 Genomes Project 0.00220; gnomAD 0.00227 and 0.00246; 1000 Genomes Project 30x 0.00234; TOPMed 0.00242.
gnomAD v4.1: 670 of 1,551,744 alleles (0.043%); highest among the groups gnomAD compares: African/African-American, 0.8%; 2 homozygotes.

Submissions (4):

Labcorp Genetics (formerly Invitae), Labcorp
Classification: Likely benign. Last evaluated: 2026-01-31. Review status: criteria provided, single submitter. Criteria: Invitae Variant Classification Sherloc (09022015). Collection method: clinical testing. Allele origin: germline.

Ambry Genetics
Classification: Uncertain significance for Inborn genetic diseases. Last evaluated: 2022-08-22. Review status: criteria provided, single submitter. Criteria: Ambry Variant Classification Scheme 2023. Collection method: clinical testing. Allele origin: germline.

Laboratory for Molecular Medicine, Mass General Brigham Personalized Medicine
Classification: Likely benign. Last evaluated: 2015-05-28. Review status: criteria provided, single submitter. Criteria: LMM Criteria. Collection method: clinical testing. Allele origin: germline. Observed: 3 variant alleles.
Comment: p.Glu1574Lys in exon 30 of LOXHD1: This variant is not expected to have clinical significance because it has been identified in 0.8% (23/2750) of African chromo somes by the Exome Aggregation Consortium (ExAC; dbSNP rs78427072).

PreventionGenetics, part of Exact Sciences
Classification: Benign for LOXHD1-related condition. Last evaluated: 2020-03-10. Review status: no assertion criteria provided. Collection method: clinical testing. Allele origin: germline. Not counted in ClinVar's aggregate classification.
Comment: This variant is classified as benign based on ACMG/AMP sequence variant interpretation guidelines (Richards et al. 2015 PMID: 25741868, with internal and published modifications).

NM_001384474.1(LOXHD1):c.4720G>A (p.Glu1574Lys)

Gene: LOXHD1 (lipoxygenase homology PLAT domains 1; minus strand). Cytogenetic location: 18q21.1.
Variant type: single nucleotide variant.
Coding change: c.4720G>A on transcript NM_001384474.1 (MANE Select); coding-DNA position 4720, G replaced by A.
Protein change: p.Glu1574Lys; replaces glutamic acid 1574 with lysine.
Molecular consequence: missense variant.
Genome position (GRCh38, 1-based): chr18:46,524,728, C>T on the plus strand (G>A on the coding strand, the complement: LOXHD1 is on the minus strand). VCF-style: chr18-46524728-C-T. GRCh37 (hg19) VCF-style: chr18-44104691-C-T.
Other names: c.1387G>A, p.Glu463Lys (NM_001145472.3); c.1099G>A, p.Glu367Lys (NM_001308013.2); c.4720G>A, p.Glu1574Lys (NM_144612.7); short protein forms E1574K, E463K, E367K.
Identifiers: ClinVar variation 227524 (VCV000227524.18), dbSNP rs78427072, ClinGen allele CA8952308.